The following is an entry in ClinVar:

ClinVar aggregate classification (germline): Likely pathogenic. Review status: criteria provided, multiple submitters, no conflicts (2 of 4 stars). 3 submissions from 3 submitters: Likely pathogenic (3). Last evaluated 2025-01-10.

Conditions:
GNPTG-mucolipidosis. Also called: ML III GAMMA; ML IIIC; Mucolipidosis type III gamma; MUCOLIPIDOSIS III, COMPLEMENTATION GROUP C; MUCOLIPIDOSIS III, IRANIAN VARIANT FORM; MUCOLIPIDOSIS III, VARIANT FORM. Identifiers: Orphanet 423470, Orphanet 577, MedGen C1854896, MONDO:0009652, OMIM 252605.

gnomAD v4.1: 2 of 1,474,472 alleles (0.00014%); highest among the groups gnomAD compares: South Asian, 0.0026%; no homozygotes.

Submissions (4):

Natera, Inc.
Classification: Likely pathogenic for Mucolipidosis III gamma. Last evaluated: 2025-01-10. Review status: criteria provided, single submitter. Criteria: Natera Variant Classification Schema (03/2026). Collection method: clinical testing. Allele origin: germline.
Comment: The c.52+1G>C variant in GNPTG is a canonical splice donor site variant predicted to affect pre-mRNA splicing, which may result in an abnormal transcript and altered protein product. This variant is expected to result in nonsense mediated decay, truncation, or a dysfunctional protein product. This variant is rare in the general population with a frequency below the threshold expected for the associated phenotype(s). Given the available evidence, this variant is classified as Likely Pathogenic.

Fulgent Genetics
Classification: Likely pathogenic for GNPTG-mucolipidosis. Last evaluated: 2024-02-24. Review status: criteria provided, single submitter. Criteria: ACMG Guidelines, 2015. Collection method: clinical testing. Allele origin: germline.

Labcorp Genetics (formerly Invitae), Labcorp
Classification: Likely pathogenic. Last evaluated: 2023-02-18. Review status: criteria provided, single submitter. Criteria: Invitae Variant Classification Sherloc (09022015). Collection method: clinical testing. Allele origin: germline.
Comment: This variant has not been reported in the literature in individuals affected with GNPTG-related conditions. In summary, the currently available evidence indicates that the variant is pathogenic, but additional data are needed to prove that conclusively. Therefore, this variant has been classified as Likely Pathogenic. Algorithms developed to predict the effect of sequence changes on RNA splicing suggest that this variant may disrupt the consensus splice site. ClinVar contains an entry for this variant (Variation ID: 1067775). This variant is not present in population databases (gnomAD no frequency). This sequence change affects a donor splice site in intron 1 of the GNPTG gene. It is expected to disrupt RNA splicing. Variants that disrupt the donor or acceptor splice site typically lead to a loss of protein function (PMID: 16199547), and loss-of-function variants in GNPTG are known to be pathogenic (PMID: 19370764, 20301784).

Dr. Peter K. Rogan Lab, Western University
No classification provided (evidence only). Condition: Familial cancer of breast. Review status: no classification provided. Collection method: in vitro. Allele origin: not applicable. Functional consequence: retained intron. Not counted in ClinVar's aggregate classification.

Literature cited by the submitters: PubMed 16199547 (cited by Labcorp Genetics (formerly Invitae), Labcorp); PubMed 19370764 (cited by Labcorp Genetics (formerly Invitae), Labcorp); PubMed 20301784 (cited by Labcorp Genetics (formerly Invitae), Labcorp).

NM_032520.5(GNPTG):c.52+1G>C

Genes: GNPTG (N-acetylglucosamine-1-phosphate transferase subunit gamma; plus strand), LOC130058158 (ATAC-STARR-seq lymphoblastoid silent region 6972; plus strand). Cytogenetic location: 16p13.3.
Variant type: single nucleotide variant.
Coding change: c.52+1G>C on transcript NM_032520.5 (MANE Select); the canonical splice donor site of the intron after coding-DNA position 52, G replaced by C.
Molecular consequence: splice donor variant.
Genome position (GRCh38, 1-based): chr16:1,352,018, G>C. VCF-style: chr16-1352018-G-C. GRCh37 (hg19) VCF-style: chr16-1402019-G-C.
Other names: c.52+1G>C (NM_032520.4).
Identifiers: ClinVar variation 1067775 (VCV001067775.13), dbSNP rs2141632749, ClinGen allele CA394183947.
Genomic context (GRCh38, chr16:1,352,018, plus strand): 5'-GCGGCGCGATGGCGGCGGGGCTGGCGCGGCTCCTGTTGCTCCTCGGGCTCTCGGCCGGCG[G>C]TGAGTGGCCCGGCCGTCCGCGTCCCCAGGCCCCGCGCGCGCTCTGCACCCCGGCCTCCCC-3'